The following is an entry in ClinVar:

ClinVar aggregate classification (germline): Pathogenic (1 of 4 stars; one submission).

Conditions:
Melnick-Needles syndrome (MNS). Also called: MELNICK-NEEDLES OSTEODYSPLASTY; OSTEODYSPLASTY OF MELNICK AND NEEDLES; Melnick-Needles Syndrome (FLNA-MNS). Identifiers: Orphanet 2484, MedGen C0025237, MONDO:0010650, OMIM 309350.
Frontometaphyseal dysplasia (FMD1). Identifiers: Orphanet 1826, MedGen C0265293, MONDO:0015942.
Heterotopia, periventricular, X-linked dominant (PVNH1). Also called: PERIVENTRICULAR NODULAR HETEROTOPIA 1; X-linked periventricular heterotopia; PERIVENTRICULAR NODULAR HETEROTOPIA 4; HETEROTOPIA, PERIVENTRICULAR, 1. Identifiers: Orphanet 2149, Orphanet 82004, MedGen C1848213, MONDO:0010233, OMIM 300049.
Oto-palato-digital syndrome, type II (OPD2). Also called: FACIOPALATOOSSEOUS SYNDROME; OPD II SYNDROME; Otopalatodigital Syndrome, Type II; Otopalatodigital Syndrome Type 2 (FLNA-OPD2). Identifiers: Orphanet 669, Orphanet 90652, MedGen C1844696, MONDO:0010571, OMIM 304120.

Submission:

Labcorp Genetics (formerly Invitae), Labcorp
Classification: Pathogenic for Oto-palato-digital syndrome, type II; Heterotopia, periventricular, X-linked dominant; Frontometaphyseal dysplasia; Melnick-Needles syndrome. Last evaluated: 2024-11-30. Review status: criteria provided, single submitter. Criteria: Invitae Variant Classification Sherloc (09022015). Collection method: clinical testing. Allele origin: germline.
Comment: This sequence change creates a premature translational stop signal (p.Gln2164Profs*16) in the FLNA gene. It is expected to result in an absent or disrupted protein product. Loss-of-function variants in FLNA are known to be pathogenic (PMID: 16684786, 20730588, 26471271). This variant is not present in population databases (gnomAD no frequency). This variant has not been reported in the literature in individuals affected with FLNA-related conditions. For these reasons, this variant has been classified as Pathogenic.

Literature cited by the submitters: PubMed 16684786; PubMed 20730588; PubMed 26471271.

NM_001110556.2(FLNA):c.6512dup (p.Gln2172fs)

Gene: FLNA (filamin A; minus strand). Cytogenetic location: Xq28.
Variant type: Duplication.
Coding change: c.6512dup on transcript NM_001110556.2 (MANE Select); coding-DNA position 6512, one base duplicated (T; older notation c.6512dupT).
Protein change: p.Gln2172fs; shifts the reading frame from glutamine 2172.
Molecular consequence: frameshift variant.
Genome position (GRCh38, 1-based): chrX:154,352,438, A duplicated on the plus strand (T on the coding strand, the reverse complement: FLNA is on the minus strand). VCF-style (leftmost placement, unchanged base first): chrX-154352437-G-GA. GRCh37 (hg19) VCF-style: chrX-153580805-G-GA.
Other names: c.6488dup, p.Gln2164fs (NM_001456.4); short protein forms Q2164fs, Q2172fs.
Identifiers: ClinVar variation 3759928 (VCV003759928.2).